The following is an entry in ClinVar:

NM_016100.5(NAA20):c.265G>T (p.Ala89Ser)

Gene: NAA20 (N-alpha-acetyltransferase 20, NatB catalytic subunit; plus strand). Cytogenetic location: 20p11.23.
Variant type: single nucleotide variant.
Coding change: c.265G>T on transcript NM_016100.5 (MANE Select); coding-DNA position 265, G replaced by T.
Protein change: p.Ala89Ser; replaces alanine 89 with serine.
Molecular consequence: missense variant.
Genome position (GRCh38, 1-based): chr20:20,026,879, G>T. VCF-style: chr20-20026879-G-T. GRCh37 (hg19) VCF-style: chr20-20007523-G-T.
Other names: c.229G>T, p.Ala77Ser (NM_181527.3); c.265G>T, p.Ala89Ser (NM_181528.3); short protein forms A77S, A89S.
Identifiers: ClinVar variation 4818963 (VCV004818963.1).

ClinVar aggregate classification (germline): Uncertain significance (1 of 4 stars; one submission).

Conditions:
Intellectual developmental disorder, autosomal recessive 73 (MRT73). Identifiers: MedGen C5676902, MONDO:0030533, OMIM 619717.

Submission:

Victorian Clinical Genetics Services, Murdoch Childrens Research Institute
Classification: Uncertain significance for Intellectual developmental disorder, autosomal recessive 73. Last evaluated: 2025-12-23. Review status: criteria provided, single submitter. Criteria: ACMG Guidelines, 2015. Collection method: clinical testing. Allele origin: germline. Affected: yes.
Comment: This variant is classified as VUS-3A. Evidence in support of pathogenic classification: Variant is absent from gnomAD (v2, v3 and v4). Additional information: Variant is predicted to result in a missense amino acid change from Ala to Ser; This variant is heterozygous; This gene is associated with autosomal recessive disease; This variant has no previous evidence of pathogenicity; No published evidence of segregation with disease has been identified for this variant; No published functional evidence has been identified for this variant; No comparable missense variants have previous evidence for pathogenicity; Variant is located in the annotated acetyltransferase (GNAT) family domain (DECIPHER); Missense variant with inconclusive in silico prediction and high conservation; Loss of function is a known mechanism of disease in this gene and is associated with intellectual developmental disorder, autosomal recessive 73 (MIM#619717).